The following is an entry in ClinVar:

ClinVar aggregate classification (germline): Uncertain significance. Review status: criteria provided, multiple submitters, no conflicts (2 of 4 stars). 2 submissions from 2 submitters: Uncertain significance (2). Last evaluated 2025-12-04.

Conditions:
Inborn genetic diseases. Identifiers: MedGen C0950123, MeSH D030342.

gnomAD v4.1: 75 of 1,535,838 alleles (0.0049%); highest among the groups gnomAD compares: Middle Eastern, 0.017%; no homozygotes.

Submissions (2):

Ambry Genetics
Classification: Uncertain significance for Inborn genetic diseases. Last evaluated: 2025-12-04. Review status: criteria provided, single submitter. Criteria: Ambry Variant Classification Scheme 2023. Collection method: clinical testing. Allele origin: germline.

CeGaT Center for Human Genetics Tuebingen
Classification: Uncertain significance. Last evaluated: 2025-09-01. Review status: criteria provided, single submitter. Criteria: CeGaT Center For Human Genetics Tuebingen Variant Classification Criteria Version 2. Collection method: clinical testing. Allele origin: germline. Affected: yes. Observed: 1 variant allele.
Comment: PIEZO1: PM2, BP4

NM_001142864.4(PIEZO1):c.289C>T (p.Arg97Cys)

Gene: PIEZO1 (piezo type mechanosensitive ion channel component 1 (Er blood group); minus strand). Cytogenetic location: 16q24.3.
Variant type: single nucleotide variant.
Coding change: c.289C>T on transcript NM_001142864.4 (MANE Select); coding-DNA position 289, C replaced by T.
Protein change: p.Arg97Cys; replaces arginine 97 with cysteine.
Molecular consequence: missense variant.
Genome position (GRCh38, 1-based): chr16:88,742,090, G>A on the plus strand (C>T on the coding strand, the complement: PIEZO1 is on the minus strand). VCF-style: chr16-88742090-G-A. GRCh37 (hg19) VCF-style: chr16-88808498-G-A.
Other names: c.289C>T (NM_001142864.2); short protein forms R97C.
Identifiers: ClinVar variation 4280872 (VCV004280872.7).